The following is an entry in ClinVar:

ClinVar aggregate classification (germline): Uncertain significance (1 of 4 stars; one submission).

Conditions:
Adenylosuccinate lyase deficiency (ADSLD). Also called: ADSL DEFICIENCY. Identifiers: Orphanet 46, MedGen C0268126, MONDO:0007068, OMIM 103050.

Submission:

Labcorp Genetics (formerly Invitae), Labcorp
Classification: Uncertain significance for Adenylosuccinate lyase deficiency. Last evaluated: 2022-08-16. Review status: criteria provided, single submitter. Criteria: Invitae Variant Classification Sherloc (09022015). Collection method: clinical testing. Allele origin: germline.
Comment: In summary, the available evidence is currently insufficient to determine the role of this variant in disease. Therefore, it has been classified as a Variant of Uncertain Significance. Advanced modeling of protein sequence and biophysical properties (such as structural, functional, and spatial information, amino acid conservation, physicochemical variation, residue mobility, and thermodynamic stability) performed at Invitae indicates that this missense variant is expected to disrupt ADSL protein function. ClinVar contains an entry for this variant (Variation ID: 574763). This variant has not been reported in the literature in individuals affected with ADSL-related conditions. This variant is not present in population databases (gnomAD no frequency). This sequence change replaces alanine, which is neutral and non-polar, with valine, which is neutral and non-polar, at codon 136 of the ADSL protein (p.Ala136Val).

NM_000026.4(ADSL):c.407C>T (p.Ala136Val)

Gene: ADSL (adenylosuccinate lyase; plus strand). Cytogenetic location: 22q13.1.
Variant type: single nucleotide variant.
Coding change: c.407C>T on transcript NM_000026.4 (MANE Select); coding-DNA position 407, C replaced by T.
Protein change: p.Ala136Val; replaces alanine 136 with valine.
Molecular consequence: missense variant. On other transcripts: non-coding transcript variant (1).
Genome position (GRCh38, 1-based): chr22:40,354,252, C>T. VCF-style: chr22-40354252-C-T. GRCh37 (hg19) VCF-style: chr22-40750256-C-T.
Other names: c.407C>T, p.Ala136Val (NM_001123378.3, NM_001363840.3); c.215C>T, p.Ala72Val (NM_001317923.2); short protein forms A136V, A72V.
Identifiers: ClinVar variation 574763 (VCV000574763.10), dbSNP rs1569091418, ClinGen allele CA411638812.